The following is an entry in ClinVar:

NM_001384474.1(LOXHD1):c.2399T>A (p.Val800Glu)

Gene: LOXHD1 (lipoxygenase homology PLAT domains 1; minus strand). Cytogenetic location: 18q21.1.
Variant type: single nucleotide variant.
Coding change: c.2399T>A on transcript NM_001384474.1 (MANE Select); coding-DNA position 2399, T replaced by A.
Protein change: p.Val800Glu; replaces valine 800 with glutamic acid.
Molecular consequence: missense variant.
Genome position (GRCh38, 1-based): chr18:46,566,295, A>T on the plus strand (T>A on the coding strand, the complement: LOXHD1 is on the minus strand). VCF-style: chr18-46566295-A-T. GRCh37 (hg19) VCF-style: chr18-44146258-A-T.
Other names: c.2399T>A, p.Val800Glu (NM_144612.7); short protein forms V800E.
Identifiers: ClinVar variation 228820 (VCV000228820.30), dbSNP rs755485250, ClinGen allele CA8952676.

ClinVar aggregate classification (germline): Uncertain significance. Review status: criteria provided, multiple submitters, no conflicts (2 of 4 stars). 10 submissions from 10 submitters: Uncertain significance (8). 2 of the submissions do not count toward it. Last evaluated 2025-07-20.

Conditions:
Inborn genetic diseases. Identifiers: MedGen C0950123, MeSH D030342.
Autosomal recessive nonsyndromic hearing loss 77. Identifiers: Orphanet 90636, MedGen C2746083, MONDO:0013119, OMIM 613079.
Hearing impairment. Also called: Impaired Hearing. Identifiers: MedGen C1384666, MONDO:0005365, HP:0000365.

Allele frequency attached by ClinVar (database versions not stated): ExAC 0.00004; gnomAD exomes 0.00004 and 0.00011; gnomAD 0.00005 and 0.00006; TOPMed 0.00008.
gnomAD v4.1: 160 of 1,551,164 alleles (0.01%); highest among the groups gnomAD compares: Middle Eastern, 0.017%; no homozygotes.

Submissions (10):

Labcorp Genetics (formerly Invitae), Labcorp
Classification: Uncertain significance. Last evaluated: 2025-07-20. Review status: criteria provided, single submitter. Criteria: Invitae Variant Classification Sherloc (09022015). Collection method: clinical testing. Allele origin: germline.
Comment: This sequence change replaces valine, which is neutral and non-polar, with glutamic acid, which is acidic and polar, at codon 800 of the LOXHD1 protein (p.Val800Glu). This variant is present in population databases (rs755485250, gnomAD 0.01%). This variant has not been reported in the literature in individuals affected with LOXHD1-related conditions. ClinVar contains an entry for this variant (Variation ID: 228820). An algorithm developed to predict the effect of missense changes on protein structure and function (PolyPhen-2) suggests that this variant is likely to be tolerated. In summary, the available evidence is currently insufficient to determine the role of this variant in disease. Therefore, it has been classified as a Variant of Uncertain Significance.

CeGaT Center for Human Genetics Tuebingen
Classification: Uncertain significance. Last evaluated: 2025-01-01. Review status: criteria provided, single submitter. Criteria: CeGaT Center For Human Genetics Tuebingen Variant Classification Criteria Version 2. Collection method: clinical testing. Allele origin: germline. Affected: yes. Observed: 1 variant allele.
Comment: LOXHD1: PM2, PM3

Blueprint Genetics
Classification: Uncertain significance. Last evaluated: 2024-11-13. Review status: criteria provided, single submitter. Criteria: ACMG Guidelines, 2015. Collection method: clinical testing. Allele origin: germline.

Ambry Genetics
Classification: Uncertain significance for Inborn genetic diseases. Last evaluated: 2023-02-28. Review status: criteria provided, single submitter. Criteria: Ambry Variant Classification Scheme 2023. Collection method: clinical testing. Allele origin: germline.

Revvity Omics, Revvity
Classification: Uncertain significance for Autosomal recessive nonsyndromic hearing loss 77. Last evaluated: 2022-08-12. Review status: criteria provided, single submitter. Criteria: ACMG Guidelines, 2015. Collection method: clinical testing. Allele origin: germline.

Fulgent Genetics
Classification: Uncertain significance for Autosomal recessive nonsyndromic hearing loss 77. Last evaluated: 2021-07-15. Review status: criteria provided, single submitter. Criteria: ACMG Guidelines, 2015. Collection method: clinical testing. Allele origin: unknown.

Department of Otolaryngology – Head & Neck Surgery, Cochlear Implant Center
Classification: Uncertain significance for Hearing impairment. Last evaluated: 2021-04-12. Review status: criteria provided, single submitter. Criteria: ClinGen HL ACMG Specifications v1. Collection method: clinical testing. Allele origin: germline. Affected: yes.
Comment: PM2_Moderate, PP3_Supporting

Laboratory for Molecular Medicine, Mass General Brigham Personalized Medicine
Classification: Uncertain significance. Last evaluated: 2014-12-15. Review status: criteria provided, single submitter. Criteria: LMM Criteria. Collection method: clinical testing. Allele origin: germline. Observed: 1 variant allele.
Comment: The p.Val800Glu variant in LOXHD1 has not been previously reported in individual s with hearing loss but was identified in 1/9360 of European chromosomes by the Exome Aggregation Consortium. Although this var iant has been seen in the general population, its frequency is not high enough t o rule out a pathogenic role. Computational prediction tools and conservation an alysis do not provide strong support for or against an impact to the protein. In summary, the clinical significance of the p.Val800Glu variant is uncertain.

Natera, Inc.
Classification: Uncertain significance for Autosomal recessive deafness type 77. Last evaluated: 2019-10-28. Review status: no assertion criteria provided. Collection method: clinical testing. Allele origin: germline. Not counted in ClinVar's aggregate classification.

Division of Human Genetics, Children's Hospital of Philadelphia
Classification: Uncertain significance for Autosomal recessive nonsyndromic hearing loss 77. Last evaluated: 2016-09-06. Review status: no assertion criteria provided. Collection method: research. Allele origin: maternal. Affected: yes. Study: CSER-PediSeq. Not counted in ClinVar's aggregate classification.